The following is an entry in ClinVar:

NM_000038.6(APC):c.5624C>T (p.Ser1875Phe)

Gene: APC (APC regulator of Wnt signaling pathway; plus strand). Cytogenetic location: 5q22.2.
Variant type: single nucleotide variant.
Coding change: c.5624C>T on transcript NM_000038.6 (MANE Select); coding-DNA position 5624, C replaced by T.
Protein change: p.Ser1875Phe; replaces serine 1875 with phenylalanine.
Molecular consequence: missense variant. On other transcripts: non-coding transcript variant (2).
Genome position (GRCh38, 1-based): chr5:112,841,218, C>T. VCF-style: chr5-112841218-C-T. GRCh37 (hg19) VCF-style: chr5-112176915-C-T.
Other names: c.5624C>T, p.Ser1875Phe (NM_001127510.3, NM_001354895.2, NM_001407450.1); c.5570C>T, p.Ser1857Phe (NM_001127511.3); c.5678C>T, p.Ser1893Phe (NM_001354896.2, NM_001407447.1, NM_001407448.1 and 1 more transcripts); c.5654C>T, p.Ser1885Phe (NM_001354897.2); c.5549C>T, p.Ser1850Phe (NM_001354898.2); c.5540C>T, p.Ser1847Phe (NM_001354899.2); c.5501C>T, p.Ser1834Phe (NM_001354900.2); c.5447C>T, p.Ser1816Phe (NM_001354901.2, NM_001407453.1); and 11 more; short protein forms S1715F, S1834F, S1850F, S1857F, S1865F, S1875F, S1903F, S1592F.
Identifiers: ClinVar variation 3012282 (VCV003012282.3), dbSNP rs1460643869, ClinGen allele CA16033643.

ClinVar aggregate classification (germline): Uncertain significance (1 of 4 stars; one submission).

Conditions:
Familial adenomatous polyposis 1 (FAP1). Also called: FAMILIAL ADENOMATOUS POLYPOSIS 1, ATTENUATED; POLYPOSIS, ADENOMATOUS INTESTINAL. Identifiers: MedGen C2713442, MONDO:0021056, OMIM 175100. Disease mechanism: loss of function.

Submission:

Labcorp Genetics (formerly Invitae), Labcorp
Classification: Uncertain significance for Familial adenomatous polyposis 1. Last evaluated: 2023-10-12. Review status: criteria provided, single submitter. Criteria: Invitae Variant Classification Sherloc (09022015). Collection method: clinical testing. Allele origin: germline.
Comment: This sequence change replaces serine, which is neutral and polar, with phenylalanine, which is neutral and non-polar, at codon 1875 of the APC protein (p.Ser1875Phe). This variant is not present in population databases (gnomAD no frequency). This variant has not been reported in the literature in individuals affected with APC-related conditions. Advanced modeling of protein sequence and biophysical properties (such as structural, functional, and spatial information, amino acid conservation, physicochemical variation, residue mobility, and thermodynamic stability) performed at Invitae indicates that this missense variant is not expected to disrupt APC protein function. In summary, the available evidence is currently insufficient to determine the role of this variant in disease. Therefore, it has been classified as a Variant of Uncertain Significance.